The following is an entry in ClinVar:

NM_000551.4(VHL):c.617_618delinsAG (p.Ile206Lys)

Genes: VHL (von Hippel-Lindau tumor suppressor; plus strand), LOC107303340 (3p25 von Hippel-Lindau tumor suppressor, E3 ubiquitin protein ligase Alu-mediated recombination region; plus strand). Cytogenetic location: 3p25.3.
Variant type: Indel.
Coding change: c.617_618delinsAG on transcript NM_000551.4 (MANE Select); coding-DNA positions 617 to 618, TT replaced by AG.
Protein change: p.Ile206Lys; replaces isoleucine 206 with lysine.
Molecular consequence: missense variant. On other transcripts: 3 prime UTR variant (1).
Genome position (GRCh38, 1-based): chr3:10,149,940-10,149,941, TT replaced by AG. VCF-style: chr3-10149940-TT-AG. GRCh37 (hg19) VCF-style: chr3-10191624-TT-AG.
Other names: c.*171_*172delinsAG (NM_001354723.2); c.494_495delinsAG, p.Ile165Lys (NM_198156.3); short protein forms I165K, I206K.
Identifiers: ClinVar variation 411989 (VCV000411989.7), dbSNP rs1060503567, ClinGen allele CA16611072.
Genomic context (GRCh38, chr3:10,149,940, plus strand): 5'-AAGATCTGGAAGACCACCCAAATGTGCAGAAAGACCTGGAGCGGCTGACACAGGAGCGCA[TT>AG]GCACATCAACGGATGGGAGATTGAAGATTTCTGTTGAAACTTACACTGTTTCATCTCAGC-3'
Protein context (NP_000542.1, residues 196-213): KDLERLTQER[Ile206Lys]AHQRMGD

ClinVar aggregate classification (germline): Uncertain significance (1 of 4 stars; one submission).

Conditions:
Von Hippel-Lindau syndrome (VHLS). Also called: Von Hippel-Lindau; VHL syndrome; von Hippel–Lindau syndrome. Identifiers: Orphanet 892, MedGen C0019562, MONDO:0008667, OMIM 193300. Disease mechanism: loss of function.
Chuvash polycythemia. Also called: POLYCYTHEMIA, VHL-DEPENDENT. Identifiers: Orphanet 238557, MedGen C1837915, MONDO:0009892, OMIM 263400.

Submission:

Labcorp Genetics (formerly Invitae), Labcorp
Classification: Uncertain significance for Von Hippel-Lindau syndrome; Chuvash polycythemia. Last evaluated: 2025-03-17. Review status: criteria provided, single submitter. Criteria: Invitae Variant Classification Sherloc (09022015). Collection method: clinical testing. Allele origin: germline.
Comment: This sequence change replaces isoleucine, which is neutral and non-polar, with lysine, which is basic and polar, at codon 206 of the VHL protein (p.Ile206Lys). Information on the frequency of this variant in the gnomAD database is not available, as this variant may be reported differently in the database. This variant has not been reported in the literature in individuals affected with VHL-related conditions. ClinVar contains an entry for this variant (Variation ID: 411989). An algorithm developed to predict the effect of missense changes on protein structure and function (PolyPhen-2) suggests that this variant is likely to be tolerated. In summary, the available evidence is currently insufficient to determine the role of this variant in disease. Therefore, it has been classified as a Variant of Uncertain Significance.